The following is an entry in ClinVar:

NM_025136.4(OPA3):c.282C>T (p.Gly94=)

Genes: OPA3 (outer mitochondrial membrane lipid metabolism regulator OPA3; minus strand), OPA3-RTN2 (OPA3-RTN2 readthrough; minus strand). Cytogenetic location: 19q13.32.
Variant type: single nucleotide variant.
Coding change: c.282C>T on transcript NM_025136.4 (MANE Select); coding-DNA position 282, C replaced by T.
Protein change: p.Gly94=; no amino-acid change (glycine 94 retained).
Molecular consequence: synonymous variant. On other transcripts: intron variant (1).
Genome position (GRCh38, 1-based): chr19:45,553,772, G>A on the plus strand (C>T on the coding strand, the complement: OPA3 is on the minus strand). VCF-style: chr19-45553772-G-A. GRCh37 (hg19) VCF-style: chr19-46057030-G-A.
Other names: c.143-24316C>T (NM_001017989.3); c.282C>T (NM_025136.3).
Identifiers: ClinVar variation 1613637 (VCV001613637.10), dbSNP rs1478895044, ClinGen allele CA633481114.

ClinVar aggregate classification (germline): Likely benign. Review status: criteria provided, multiple submitters, no conflicts (2 of 4 stars). 3 submissions from 3 submitters: Likely benign (2). 1 of the submissions does not count toward it. Last evaluated 2024-10-23.

Conditions:
Optic atrophy 3 (OPA3). Also called: OPTIC ATROPHY 3, AUTOSOMAL DOMINANT; Optic atrophy 3 with cataract; Optic atrophy, cataract, and neurologic disorder. Identifiers: Orphanet 67036, MedGen C1833809, MONDO:0008133, OMIM 165300.
3-Methylglutaconic aciduria type 3 (MGCA3). Also called: Costeff Syndrome; OPA3, AUTOSOMAL RECESSIVE; OPTIC ATROPHY 3, AUTOSOMAL RECESSIVE; OPA3-Related 3-Methylglutaconic Aciduria. Identifiers: Orphanet 67047, MedGen C0574084, MONDO:0009787, OMIM 258501.
OPA3-related disorder. Also called: OPA3-related condition.

Allele frequency attached by ClinVar (database versions not stated): gnomAD exomes below 0.00001 and 0.00001.
gnomAD v4.1: 9 of 1,612,764 alleles (0.00056%); highest among the groups gnomAD compares: Admixed American, 0.0017%; no homozygotes.

Submissions (3):

Labcorp Genetics (formerly Invitae), Labcorp
Classification: Likely benign for 3-Methylglutaconic aciduria type 3; Optic atrophy 3. Last evaluated: 2024-10-23. Review status: criteria provided, single submitter. Criteria: Invitae Variant Classification Sherloc (09022015). Collection method: clinical testing. Allele origin: germline.

Blueprint Genetics
Classification: Likely benign. Last evaluated: 2020-02-10. Review status: criteria provided, single submitter. Criteria: ACMG Guidelines, 2015. Collection method: clinical testing. Allele origin: germline.

PreventionGenetics, part of Exact Sciences
Classification: Likely benign for OPA3-related condition. Last evaluated: 2019-07-22. Review status: no assertion criteria provided. Collection method: clinical testing. Allele origin: germline. Not counted in ClinVar's aggregate classification.
Comment: This variant is classified as likely benign based on ACMG/AMP sequence variant interpretation guidelines (Richards et al. 2015 PMID: 25741868, with internal and published modifications).